The following is an entry in ClinVar:

NM_001040108.2(MLH3):c.1993G>A (p.Glu665Lys)

Gene: MLH3 (mutL homolog 3; minus strand). Cytogenetic location: 14q24.3.
Variant type: single nucleotide variant.
Coding change: c.1993G>A on transcript NM_001040108.2 (MANE Select); coding-DNA position 1993, G replaced by A.
Protein change: p.Glu665Lys; replaces glutamic acid 665 with lysine.
Molecular consequence: missense variant.
Genome position (GRCh38, 1-based): chr14:75,047,663, C>T on the plus strand (G>A on the coding strand, the complement: MLH3 is on the minus strand). VCF-style: chr14-75047663-C-T. GRCh37 (hg19) VCF-style: chr14-75514366-C-T.
Other names: c.1993G>A, p.Glu665Lys (NM_014381.3); short protein forms E665K.
Identifiers: ClinVar variation 1784011 (VCV001784011.3), dbSNP rs2503281109, ClinGen allele CA390443470.

ClinVar aggregate classification (germline): Uncertain significance (1 of 4 stars; one submission).

Submission:

Ambry Genetics
Classification: Uncertain significance. Last evaluated: 2025-05-18. Review status: criteria provided, single submitter. Criteria: Ambry Variant Classification Scheme 2023. Collection method: clinical testing. Allele origin: germline.
Comment: The p.E665K variant (also known as c.1993G>A), located in coding exon 1 of the MLH3 gene, results from a G to A substitution at nucleotide position 1993. The glutamic acid at codon 665 is replaced by lysine, an amino acid with similar properties. This amino acid position is conserved. In addition, this alteration is predicted to be tolerated by in silico analysis. Since supporting evidence is limited at this time, the clinical significance of this alteration remains unclear.